The following is an entry in ClinVar:

NC_000007.14:g.156779341A>G

Genes: LMBR1 (limb development membrane protein 1; minus strand), SHH (sonic hedgehog signaling molecule; minus strand). Cytogenetic location: 7q36.3.
Variant type: single nucleotide variant.
Molecular consequence: intron variant (on NM_022458.4).
Genome position: GRCh38 VCF-style: chr7-156779341-A-G. GRCh37 (hg19) VCF-style: chr7-156572035-A-G.
Other names: c.361-15546T>C (NM_001363412.2); c.145-15546T>C (NM_001350954.2); c.424-15546T>C (NM_001363410.2, NM_022458.4, NM_001363409.2 and 1 more transcripts); c.-34+314T>C (NM_001350958.2, NM_001350956.2, NM_001350955.2 and 1 more transcripts); c.55-15546T>C (NM_001350957.2, NM_001363411.2).
Identifiers: ClinVar variation 3676142 (VCV003676142.2).

ClinVar aggregate classification (germline): Uncertain significance (1 of 4 stars; one submission).

Conditions:
Holoprosencephaly 3 (HPE3). Identifiers: Orphanet 2162, MedGen C1840529, MONDO:0007733, OMIM 142945.

Submission:

Labcorp Genetics (formerly Invitae), Labcorp
Classification: Uncertain significance for Holoprosencephaly 3. Last evaluated: 2024-02-02. Review status: criteria provided, single submitter. Criteria: Invitae Variant Classification Sherloc (09022015). Collection method: clinical testing. Allele origin: germline.
Comment: This variant occurs in a non-coding region of the SHH gene. It does not change the encoded amino acid sequence of the SHH protein. This variant is not present in population databases (gnomAD no frequency). This variant has not been reported in the literature in individuals affected with SHH-related conditions. Experimental studies and prediction algorithms are not available or were not evaluated, and the effect of this variant on mRNA splicing is currently unknown. In summary, the available evidence is currently insufficient to determine the role of this variant in disease. Therefore, it has been classified as a Variant of Uncertain Significance.